The following is an entry in ClinVar:

NM_001454.4(FOXJ1):c.498+4G>C

Gene: FOXJ1 (forkhead box J1; minus strand). Cytogenetic location: 17q25.1.
Variant type: single nucleotide variant.
Coding change: c.498+4G>C on transcript NM_001454.4 (MANE Select); 4 bases into the intron after coding-DNA position 498, G replaced by C.
Molecular consequence: intron variant.
Genome position (GRCh38, 1-based): chr17:76,139,894, C>G on the plus strand (G>C on the coding strand, the complement: FOXJ1 is on the minus strand). VCF-style: chr17-76139894-C-G. GRCh37 (hg19) VCF-style: chr17-74135975-C-G.
Identifiers: ClinVar variation 4989639 (VCV004989639.1).

ClinVar aggregate classification (germline): Likely benign (1 of 4 stars; one submission).

Conditions:
FOXJ1-related disorder. Also called: FOXJ1-related condition.

gnomAD v4.1: 274 of 1,583,516 alleles (0.017%); highest among the groups gnomAD compares: African/African-American, 0.35%; 1 homozygote.

Submission:

PreventionGenetics, part of Exact Sciences
Classification: Likely benign for FOXJ1-related condition. Last evaluated: 2024-10-24. Review status: criteria provided, single submitter. Criteria: ACMG Guidelines, 2015. Collection method: clinical testing. Allele origin: germline.
Comment: This variant is classified as likely benign based on ACMG/AMP sequence variant interpretation guidelines (Richards et al. 2015 PMID: 25741868, with internal and published modifications).